The following is an entry in ClinVar:

NM_003072.5(SMARCA4):c.4889A>G (p.Asp1630Gly)

Gene: SMARCA4 (SWI/SNF related BAF chromatin remodeling complex subunit ATPase 4; plus strand). Cytogenetic location: 19p13.2.
Variant type: single nucleotide variant.
Coding change: c.4889A>G on transcript NM_003072.5 (MANE Select); coding-DNA position 4889, A replaced by G.
Protein change: p.Asp1630Gly; replaces aspartic acid 1630 with glycine.
Molecular consequence: missense variant. On other transcripts: non-coding transcript variant (1).
Genome position (GRCh38, 1-based): chr19:11,060,165, A>G. VCF-style: chr19-11060165-A-G. GRCh37 (hg19) VCF-style: chr19-11170841-A-G.
Other names: c.4889A>G, p.Asp1630Gly (NM_001128844.3); c.4799A>G, p.Asp1600Gly (NM_001128845.2); c.4796A>G, p.Asp1599Gly (NM_001128846.2); c.4790A>G, p.Asp1597Gly (NM_001128847.4, NM_001374457.1); c.4787A>G, p.Asp1596Gly (NM_001128848.2); c.4985A>G, p.Asp1662Gly (NM_001128849.3, NM_001387283.1); short protein forms D1596G, D1597G, D1599G, D1600G, D1630G, D1662G.
Identifiers: ClinVar variation 1692597 (VCV001692597.8), dbSNP rs2147126711, ClinGen allele CA404080936.
Genomic context (GRCh38, chr19:11,060,165, plus strand): 5'-AGGGCGGCCGGCGGCGGCCGAGCCGAGGGTCCCGAGCCAAGCCGGTCGTGAGTGACGATG[A>G]CAGTGAGGAGGAACAAGAGGAGGTGAGGCCGGGCCCCCGAGCAGGCAGAGCTGGCATGTG-3'
Protein context (NP_003063.2, residues 1620-1640): SRAKPVVSDD[Asp1630Gly]SEEEQEEDRS

ClinVar aggregate classification (germline): Uncertain significance. Review status: criteria provided, multiple submitters, no conflicts (2 of 4 stars). 3 submissions from 3 submitters: Uncertain significance (3). Last evaluated 2022-06-14.

Conditions:
Hereditary cancer-predisposing syndrome. Also called: Hereditary Cancer Syndrome; Hereditary neoplastic syndrome; Neoplastic Syndromes, Hereditary; Tumor predisposition. Identifiers: Orphanet 140162, MedGen C0027672, MeSH D009386, MONDO:0015356.
Rhabdoid tumor predisposition syndrome 2 (RTPS2). Identifiers: Orphanet 231108, Orphanet 69077, MedGen C2750074, MONDO:0013224, OMIM 613325.

Submissions (3):

Labcorp Genetics (formerly Invitae), Labcorp
Classification: Uncertain significance for Rhabdoid tumor predisposition syndrome 2. Last evaluated: 2022-06-14. Review status: criteria provided, single submitter. Criteria: Invitae Variant Classification Sherloc (09022015). Collection method: clinical testing. Allele origin: germline.
Comment: This sequence change replaces aspartic acid, which is acidic and polar, with glycine, which is neutral and non-polar, at codon 1662 of the SMARCA4 protein (p.Asp1662Gly). This variant is not present in population databases (gnomAD no frequency). This variant has not been reported in the literature in individuals affected with SMARCA4-related conditions. Algorithms developed to predict the effect of missense changes on protein structure and function are either unavailable or do not agree on the potential impact of this missense change (SIFT: "Deleterious"; PolyPhen-2: "Not Available"; Align-GVGD: "Class C65"). In summary, the available evidence is currently insufficient to determine the role of this variant in disease. Therefore, it has been classified as a Variant of Uncertain Significance.

Ambry Genetics
Classification: Uncertain significance for Hereditary cancer-predisposing syndrome. Last evaluated: 2022-06-03. Review status: criteria provided, single submitter. Criteria: Ambry Variant Classification Scheme 2023. Collection method: clinical testing. Allele origin: germline.
Comment: The p.D1662G variant (also known as c.4985A>G), located in coding exon 34 of the SMARCA4 gene, results from an A to G substitution at nucleotide position 4985. The aspartic acid at codon 1662 is replaced by glycine, an amino acid with similar properties. This amino acid position is highly conserved in available vertebrate species. In addition, the in silico prediction for this alteration is inconclusive. Missense and in-frame variants in SMARCA4 are known to cause neurodevelopmental disorders; however, such associations with rhabdoid tumor predisposition syndrome including small cell carcinoma of the ovary-hypercalcemic type (SCCOHT) are exceedingly rare (Kosho T et al. Am J Med Genet C Semin Med Genet. 2014 Sep;166C(3):262-75; Jelinic P et al. Nat Genet. 2014 May;46(5):424-6). Based on the supporting evidence, the association of this alteration with Coffin-Siris syndrome is unknown; however, the association of this alteration with rhabdoid tumor predisposition syndrome is unlikely.

Sema4
Classification: Uncertain significance for Hereditary cancer-predisposing syndrome. Last evaluated: 2022-03-10. Review status: criteria provided, single submitter. Criteria: Sema4 Curation Guidelines. Collection method: curation. Allele origin: germline.
Comment: The SMARCA4 c.4985A>G (p.D1662G) variant has not been reported in the literature to our knowledge. This variant is not reported in the population database Genome Aggregation Database (PMID: 32461654). This variant has not been reported in ClinVar. Functional studies have not been performed, and in silico predictions of the variant's effect on protein function are inconclusive. The evidence is insufficient to meet ACMG/AMP criteria for classifying the variant as benign or pathogenic. Thus, the clinical significance of this variant is currently uncertain.